The following is an entry in ClinVar:

NC_000007.13:g.(?_117120078)_(117267825_117282491)del

Gene: CFTR (CF transmembrane conductance regulator; plus strand). Cytogenetic location: 7q31.2.
Variant type: Deletion.
Identifiers: ClinVar variation 3896449 (VCV003896449.2).

ClinVar aggregate classification (germline): Pathogenic (1 of 4 stars; one submission).

Conditions:
Cystic fibrosis (CF). Also called: MUCOVISCIDOSIS. Identifiers: Orphanet 586, MedGen C0010674, MONDO:0009061, OMIM 219700. Disease mechanism: loss of function.

Submission:

Women's Health and Genetics/Laboratory Corporation of America, LabCorp
Classification: Pathogenic for Cystic fibrosis. Last evaluated: 2025-04-07. Review status: criteria provided, single submitter. Criteria: LabCorp Variant Classification Summary - May 2015. Collection method: clinical testing. Allele origin: germline.
Comment: Variant summary: The variant involves the deletion of exons 1-22 in the CFTR gene. The exact breakpoint at the 5' end of this variant is unknown, therefore this deletion may extend upstream of the annotated region of this gene. Although the exact breakpoints of this deletion are not known, it is predicted to remove the initiation codon and result in an absence of protein or a truncation of the encoded protein due to translation initiation at a downstream site. A presumed nomenclature of c.(?_-71)_(3717+1_3718-1)del has been designated for the purposes of this classification. The variant was absent in 21694 control chromosomes. To our knowledge, no occurrence of c.(?_-71)_(3717+1_3718-1)del in individuals affected with Cystic Fibrosis and no experimental evidence demonstrating its impact on protein function have been reported. No submitters have cited clinical-significance assessments for this variant to ClinVar. Based on the evidence outlined above, the variant was classified as pathogenic.